The following is an entry in ClinVar:

NM_152328.5(ADSS1):c.215C>T (p.Thr72Met)

Gene: ADSS1 (adenylosuccinate synthase 1; plus strand). Cytogenetic location: 14q32.33.
Variant type: single nucleotide variant.
Coding change: c.215C>T on transcript NM_152328.5 (MANE Select); coding-DNA position 215, C replaced by T.
Protein change: p.Thr72Met; replaces threonine 72 with methionine.
Molecular consequence: missense variant. On other transcripts: 5 prime UTR variant (1).
Genome position (GRCh38, 1-based): chr14:104,735,042, C>T. VCF-style: chr14-104735042-C-T. GRCh37 (hg19) VCF-style: chr14-105201379-C-T.
Other names: c.-384C>T (NM_001320424.1); c.344C>T, p.Thr115Met (NM_199165.2); short protein forms T115M, T72M.
Identifiers: ClinVar variation 2465241 (VCV002465241.3), dbSNP rs770565985, ClinGen allele CA7373557.

ClinVar aggregate classification (germline): Uncertain significance. Review status: criteria provided, multiple submitters, no conflicts (2 of 4 stars). 2 submissions from 2 submitters: Uncertain significance (2). Last evaluated 2026-02-18.

Conditions:
Inborn genetic diseases. Identifiers: MedGen C0950123, MeSH D030342.

gnomAD v4.1: 54 of 1,613,358 alleles (0.0033%); highest among the groups gnomAD compares: South Asian, 0.0088%; no homozygotes.

Submissions (2):

Women's Health and Genetics/Laboratory Corporation of America, LabCorp
Classification: Uncertain significance. Last evaluated: 2026-02-18. Review status: criteria provided, single submitter. Criteria: LabCorp Variant Classification Summary - May 2015. Collection method: clinical testing. Allele origin: germline.
Comment: Variant summary: ADSS1 c.344C>T (p.Thr115Met) results in a non-conservative amino acid change in the encoded protein sequence. Algorithms developed to predict the effect of missense changes on protein structure and function all suggest that this variant is likely to be disruptive. The variant allele was found at a frequency of 4.3e-05 in 281184 control chromosomes. This frequency is not significantly higher than estimated for disease-causing variants in ADSS1, allowing no conclusion about variant significance. To our knowledge, no occurrence of c.344C>T in individuals affected with ADSS1-related conditions and no experimental evidence demonstrating its impact on protein function have been reported. ClinVar contains an entry for this variant (Variation ID: 2465241). Based on the evidence outlined above, the variant was classified as uncertain significance.

Ambry Genetics
Classification: Uncertain significance for Inborn genetic diseases. Last evaluated: 2023-02-01. Review status: criteria provided, single submitter. Criteria: Ambry Variant Classification Scheme 2023. Collection method: clinical testing. Allele origin: germline.